The following is an entry in ClinVar:

NM_014915.3(ANKRD26):c.1129A>T (p.Ile377Phe)

Gene: ANKRD26 (ankyrin repeat domain 26; minus strand). Cytogenetic location: 10p12.1.
Variant type: single nucleotide variant.
Coding change: c.1129A>T on transcript NM_014915.3 (MANE Select); coding-DNA position 1129, A replaced by T.
Protein change: p.Ile377Phe; replaces isoleucine 377 with phenylalanine.
Molecular consequence: missense variant.
Genome position (GRCh38, 1-based): chr10:27,067,235, T>A on the plus strand (A>T on the coding strand, the complement: ANKRD26 is on the minus strand). VCF-style: chr10-27067235-T-A. GRCh37 (hg19) VCF-style: chr10-27356164-T-A.
Other names: c.1129A>T, p.Ile377Phe (NM_001256053.2); short protein forms I377F.
Identifiers: ClinVar variation 3607952 (VCV003607952.2).

ClinVar aggregate classification (germline): Uncertain significance (1 of 4 stars; one submission).

Submission:

Labcorp Genetics (formerly Invitae), Labcorp
Classification: Uncertain significance. Last evaluated: 2024-11-26. Review status: criteria provided, single submitter. Criteria: Invitae Variant Classification Sherloc (09022015). Collection method: clinical testing. Allele origin: germline.
Comment: This sequence change replaces isoleucine, which is neutral and non-polar, with phenylalanine, which is neutral and non-polar, at codon 377 of the ANKRD26 protein (p.Ile377Phe). This variant is not present in population databases (gnomAD no frequency). This variant has not been reported in the literature in individuals affected with ANKRD26-related conditions. An algorithm developed to predict the effect of missense changes on protein structure and function (PolyPhen-2) suggests that this variant is likely to be tolerated. In summary, the available evidence is currently insufficient to determine the role of this variant in disease. Therefore, it has been classified as a Variant of Uncertain Significance.